The following is an entry in ClinVar:

NM_152296.5(ATP1A3):c.20A>G (p.Asp7Gly)

Gene: ATP1A3 (ATPase Na+/K+ transporting subunit alpha 3; minus strand). Cytogenetic location: 19q13.2.
Variant type: single nucleotide variant.
Coding change: c.20A>G on transcript NM_152296.5 (MANE Select); coding-DNA position 20, A replaced by G.
Protein change: p.Asp7Gly; replaces aspartic acid 7 with glycine.
Molecular consequence: missense variant.
Genome position (GRCh38, 1-based): chr19:41,988,549, T>C on the plus strand (A>G on the coding strand, the complement: ATP1A3 is on the minus strand). VCF-style: chr19-41988549-T-C. GRCh37 (hg19) VCF-style: chr19-42492701-T-C.
Other names: c.53A>G, p.Asp18Gly (NM_001256213.2); c.59A>G, p.Asp20Gly (NM_001256214.2); short protein forms D20G, D7G, D18G.
Identifiers: ClinVar variation 3636273 (VCV003636273.2).
Genomic context (GRCh38, chr19:41,988,549, plus strand): 5'-TTCTTGAGGTCATCCAGGTCCCGGCGCTCCTTGCCCTTGTTCTTCTTGGGTGAGTCCTTG[T>C]CATCTTTCTTGTCCTGCGAGGTGGCGATACGATAGCTGTCAGAGCCACCAGACTGCGGGC-3'
Protein context (NP_689509.1, residues 1-17): MGDKKD[Asp7Gly]KDSPKKNKGK

ClinVar aggregate classification (germline): Uncertain significance (1 of 4 stars; one submission).

Conditions:
Dystonia 12 (DYT12). Also called: Rapid-Onset Dystonia-Parkinsonism (RDP); DYT-ATP1A3. Identifiers: Orphanet 71517, MedGen C1868681, MONDO:0007496, OMIM 128235.

Submission:

Labcorp Genetics (formerly Invitae), Labcorp
Classification: Uncertain significance for Dystonia 12. Last evaluated: 2024-02-23. Review status: criteria provided, single submitter. Criteria: Invitae Variant Classification Sherloc (09022015). Collection method: clinical testing. Allele origin: germline.
Comment: This sequence change replaces aspartic acid, which is acidic and polar, with glycine, which is neutral and non-polar, at codon 7 of the ATP1A3 protein (p.Asp7Gly). This variant is not present in population databases (gnomAD no frequency). This variant has not been reported in the literature in individuals affected with ATP1A3-related conditions. Advanced modeling of protein sequence and biophysical properties (such as structural, functional, and spatial information, amino acid conservation, physicochemical variation, residue mobility, and thermodynamic stability) has been performed at Invitae for this missense variant, however the output from this modeling did not meet the statistical confidence thresholds required to predict the impact of this variant on ATP1A3 protein function. In summary, the available evidence is currently insufficient to determine the role of this variant in disease. Therefore, it has been classified as a Variant of Uncertain Significance.